The following is an entry in ClinVar:

ClinVar aggregate classification (germline): Likely benign (1 of 4 stars; one submission).

gnomAD v4.1: 566 of 398,390 alleles (0.14%); highest among the groups gnomAD compares: African/African-American, 1%; 1 homozygote.

Submission:

CeGaT Center for Human Genetics Tuebingen
Classification: Likely benign. Last evaluated: 2026-09-01. Review status: criteria provided, single submitter. Criteria: CeGaT Center For Human Genetics Tuebingen Variant Classification Criteria Version 2. Collection method: clinical testing. Allele origin: germline. Affected: yes. Observed: 5 variant alleles.
Comment: KCNQ1OT1: BS1

NM_000218.3(KCNQ1):c.1393+25743G>A

Genes: KCNQ1 (potassium voltage-gated channel subfamily Q member 1; plus strand), KCNQ1OT1 (KCNQ1 opposite strand/antisense transcript 1; minus strand). Cytogenetic location: 11p15.5.
Variant type: single nucleotide variant.
Coding change: c.1393+25743G>A on transcript NM_000218.3 (MANE Select); 25743 bases into the intron after coding-DNA position 1393, G replaced by A.
Molecular consequence: intron variant. On other transcripts: non-coding transcript variant (1).
Genome position (GRCh38, 1-based): chr11:2,614,597, G>A. VCF-style: chr11-2614597-G-A. GRCh37 (hg19) VCF-style: chr11-2635827-G-A.
Other names: c.1123+25743G>A (NM_001406837.1); c.1297+25743G>A (NM_001406836.1); c.853+25743G>A (NM_001406838.1); c.1012+25743G>A (NM_181798.2).
Identifiers: ClinVar variation 4873915 (VCV004873915.2).
Genomic context (GRCh38, chr11:2,614,597, plus strand): 5'-CATTTTGAGATAATTTTTATATGCTATGAGTTATGGGTCCAACTTCATTCTTTGATATAT[G>A]AGGATCCAGTTGCCCCAGCACCATTTGTTAAAAGACTACTCTTCCCACTGAATTCTTGAT-3'